The following is an entry in ClinVar:

NM_007215.4(POLG2):c.873C>G (p.Tyr291Ter)

Genes: MILR1 (mast cell immunoglobulin like receptor 1; plus strand), POLG2 (DNA polymerase gamma 2, accessory subunit; minus strand). Cytogenetic location: 17q23.3.
Variant type: single nucleotide variant.
Coding change: c.873C>G on transcript NM_007215.4 (MANE Select); coding-DNA position 873, C replaced by G.
Protein change: p.Tyr291Ter; replaces tyrosine 291 with a stop codon.
Molecular consequence: nonsense.
Genome position (GRCh38, 1-based): chr17:64,490,892, G>C on the plus strand (C>G on the coding strand, the complement: POLG2 is on the minus strand). VCF-style: chr17-64490892-G-C. GRCh37 (hg19) VCF-style: chr17-62487009-G-C.
Other names: short protein forms Y291*.
Identifiers: ClinVar variation 1316519 (VCV001316519.6), dbSNP rs1555668353, ClinGen allele CA400638605.

ClinVar aggregate classification (germline): Conflicting classifications of pathogenicity. Review status: criteria provided, conflicting classifications (1 of 4 stars). 2 submissions from 2 submitters: Likely pathogenic (1); Uncertain significance (1). Last evaluated 2022-11-17.

gnomAD v4.1: 1 of 1,613,660 alleles (0.000062%); highest among the groups gnomAD compares: Non-Finnish European, 0.000085%; no homozygotes.

Submissions (2):

Revvity Omics, Revvity
Classification: Likely pathogenic. Last evaluated: 2022-11-17. Review status: criteria provided, single submitter. Criteria: ACMG Guidelines, 2015. Collection method: clinical testing. Allele origin: germline.

GeneDx
Classification: Uncertain significance. Last evaluated: 2020-01-06. Review status: criteria provided, single submitter. Criteria: GeneDx Variant Classification Process June 2021. Collection method: clinical testing. Allele origin: germline. Affected: yes.
Comment: Not observed in large population cohorts (Lek et al., 2016); Nonsense variant predicted to result in protein truncation or nonsense mediated decay in a gene for which loss-of-function is not a known mechanism of disease; Has not been previously published as pathogenic or benign to our knowledge